The following is an entry in ClinVar:

NM_000138.5(FBN1):c.4448G>C (p.Gly1483Ala)

Gene: FBN1 (fibrillin 1; minus strand). Cytogenetic location: 15q21.1.
Variant type: single nucleotide variant.
Coding change: c.4448G>C on transcript NM_000138.5 (MANE Select); coding-DNA position 4448, G replaced by C.
Protein change: p.Gly1483Ala; replaces glycine 1483 with alanine.
Molecular consequence: missense variant.
Genome position (GRCh38, 1-based): chr15:48,470,645, C>G on the plus strand (G>C on the coding strand, the complement: FBN1 is on the minus strand). VCF-style: chr15-48470645-C-G. GRCh37 (hg19) VCF-style: chr15-48762842-C-G.
Other names: c.4448G>C, p.Gly1483Ala (NM_001406716.1); short protein forms G1483A.
Identifiers: ClinVar variation 3336387 (VCV003336387.2).

ClinVar aggregate classification (germline): Uncertain significance. Review status: criteria provided, multiple submitters, no conflicts (2 of 4 stars). 2 submissions from 2 submitters: Uncertain significance (2). Last evaluated 2025-05-22.

Conditions:
Marfan syndrome (MFS). Also called: MARFAN SYNDROME, TYPE I; Marfan syndrome type 1; Marfan's syndrome; Marfan syndrome, classic; FBN1-Related Marfan Syndrome. Identifiers: Orphanet 284963, Orphanet 558, MedGen C0024796, MONDO:0007947, OMIM 154700.
Familial thoracic aortic aneurysm and aortic dissection (TAAD). Also called: Thoracic aortic aneurysms and dissections. Identifiers: Orphanet 91387, MedGen C4707243, MONDO:0019625.

Submissions (2):

Labcorp Genetics (formerly Invitae), Labcorp
Classification: Uncertain significance for Marfan syndrome; Familial thoracic aortic aneurysm and aortic dissection. Last evaluated: 2025-05-22. Review status: criteria provided, single submitter. Criteria: Invitae Variant Classification Sherloc (09022015). Collection method: clinical testing. Allele origin: germline.
Comment: This sequence change replaces glycine, which is neutral and non-polar, with alanine, which is neutral and non-polar, at codon 1483 of the FBN1 protein (p.Gly1483Ala). This variant is not present in population databases (gnomAD no frequency). This missense change has been observed in individual(s) with clinical features of thoracic aortic aneurysm and dissection (internal data). ClinVar contains an entry for this variant (Variation ID: 3336387). Invitae Evidence Modeling of protein sequence and biophysical properties (such as structural, functional, and spatial information, amino acid conservation, physicochemical variation, residue mobility, and thermodynamic stability) indicates that this missense variant is expected to disrupt FBN1 protein function with a positive predictive value of 95%. In summary, the available evidence is currently insufficient to determine the role of this variant in disease. Therefore, it has been classified as a Variant of Uncertain Significance.

Women's Health and Genetics/Laboratory Corporation of America, LabCorp
Classification: Uncertain significance. Last evaluated: 2024-05-24. Review status: criteria provided, single submitter. Criteria: LabCorp Variant Classification Summary - May 2015. Collection method: clinical testing. Allele origin: germline.
Comment: Variant summary: FBN1 c.4448G>C (p.Gly1483Ala) results in a non-conservative amino acid change located in the EGF-like domain (IPR000742) of the encoded protein sequence. Four of five in-silico tools predict a damaging effect of the variant on protein function. The variant was absent in 251236 control chromosomes. The available data on variant occurrences in the general population are insufficient to allow any conclusion about variant significance. To our knowledge, no occurrence of c.4448G>C in individuals affected with Marfan Syndrome and no experimental evidence demonstrating its impact on protein function have been reported. No submitters have cited clinical-significance assessments for this variant to ClinVar. Based on the evidence outlined above, the variant was classified as uncertain significance.